The following is an entry in ClinVar:

ClinVar aggregate classification (germline): Uncertain significance (1 of 4 stars; one submission).

Conditions:
Developmental and epileptic encephalopathy, 9 (DEE9). Also called: Early infantile epileptic encephalopathy 9; EPILEPSY, FEMALE-RESTRICTED, WITH MENTAL RETARDATION; JUBERG-HELLMAN SYNDROME; PCDH19-Related X-Linked Female-Limited Epilepsy with Mental Retardation. Identifiers: Orphanet 101039, Orphanet 2076, MedGen C1848137, MONDO:0010246, OMIM 300088. Disease mechanism: loss of function.

Submission:

Labcorp Genetics (formerly Invitae), Labcorp
Classification: Uncertain significance for Developmental and epileptic encephalopathy, 9. Last evaluated: 2019-06-24. Review status: criteria provided, single submitter. Criteria: Invitae Variant Classification Sherloc (09022015). Collection method: clinical testing. Allele origin: germline.
Comment: In summary, the available evidence is currently insufficient to determine the role of this variant in disease. Therefore, it has been classified as a Variant of Uncertain Significance. Experimental studies and prediction algorithms are not available or were not evaluated for this variant, and the functional significance of the affected amino acid(s) is currently unknown. This variant has not been reported in the literature in individuals with PCDH19-related conditions. This variant is not present in population databases (ExAC no frequency). This variant, c.1808_1816del, results in the deletion of 3 amino acid(s) of the PCDH19 protein (p.Val603_Tyr605del), but otherwise preserves the integrity of the reading frame.

NM_001184880.2(PCDH19):c.1808_1816del (p.Val603_Tyr605del)

Gene: PCDH19 (protocadherin 19; minus strand). Cytogenetic location: Xq22.1.
Variant type: Deletion.
Coding change: c.1808_1816del on transcript NM_001184880.2 (MANE Select); coding-DNA positions 1808 to 1816, 9 bases deleted (TCACCTACG; older notation c.1808_1816delTCACCTACG).
Protein change: p.Val603_Tyr605del.
Molecular consequence: inframe deletion.
Genome position (GRCh38, 1-based): chrX:100,406,782-100,406,790, CGTAGGTGA deleted on the plus strand (TCACCTACG on the coding strand, the reverse complement: PCDH19 is on the minus strand); deleting any 9 consecutive bases within chrX:100,406,782-100,406,791 gives the same sequence; the c. name uses the placement nearest the transcript's 3' end. VCF-style (leftmost placement, unchanged base first): chrX-100406781-TCGTAGGTGA-T. GRCh37 (hg19) VCF-style: chrX-99661779-TCGTAGGTGA-T.
Other names: c.1808_1816del, p.Val603_Tyr605del (NM_001105243.2, NM_020766.3).
Identifiers: ClinVar variation 938884 (VCV000938884.10), dbSNP rs1928365074, ClinGen allele CA1139667037.